The following is an entry in ClinVar:

NM_001042492.3(NF1):c.5312_5325del (p.Lys1771fs)

Gene: NF1 (neurofibromin 1; plus strand). Cytogenetic location: 17q11.2.
Variant type: Deletion.
Coding change: c.5312_5325del on transcript NM_001042492.3 (MANE Select); coding-DNA positions 5312 to 5325, 14 bases deleted (AAGTCCTAGGGCAA).
Protein change: p.Lys1771fs; shifts the reading frame from lysine 1771.
Molecular consequence: frameshift variant.
Genome position (GRCh38, 1-based): chr17:31,327,542-31,327,555, AAGTCCTAGGGCAA deleted; deleting any 14 consecutive bases within chr17:31,327,539-31,327,555 gives the same sequence; the c. name uses the placement nearest the transcript's 3' end. VCF-style (leftmost placement, unchanged base first): chr17-31327538-ACAAAAGTCCTAGGG-A. GRCh37 (hg19) VCF-style: chr17-29654556-ACAAAAGTCCTAGGG-A.
Other names: c.5249_5262delAAGTCCTAGGGCAA, p.Lys1750Ilefs (NM_000267.4); short protein forms K1750fs, K1771fs.
Identifiers: ClinVar variation 3382246 (VCV003382246.2).

ClinVar aggregate classification (germline): Pathogenic (1 of 4 stars; one submission).

Conditions:
Neurofibromatosis, type 1 (NF1). Also called: Neurofibromatosis, type I; VON RECKLINGHAUSEN DISEASE; NEUROFIBROMATOSIS, TYPE I, SOMATIC; Peripheral type neurofibromatosis. Identifiers: Orphanet 636, MedGen C0027831, MONDO:0018975, OMIM 162200. Disease mechanism: loss of function.

Submission:

Juno Genomics, Hangzhou Juno Genomics, Inc
Classification: Pathogenic for Neurofibromatosis, type 1. Review status: criteria provided, single submitter. Criteria: ACMG Guidelines, 2015. Collection method: clinical testing. Allele origin: germline. Affected: yes.
Comment: Absent from controls (or at extremely low frequency if recessive) in Genome Aggregation Database, Exome Sequencing Project, 1000 Genomes Project, or Exome Aggregation Consortium.;Null variant in a gene where loss of function (LOF) is a known mechanism of disease.;Patient's phenotype or family history is highly specific for a disease with a single genetic etiology.